The following is an entry in ClinVar:

NM_001797.4(CDH11):c.1838C>T (p.Ala613Val)

Gene: CDH11 (cadherin 11; minus strand). Cytogenetic location: 16q21.
Variant type: single nucleotide variant.
Coding change: c.1838C>T on transcript NM_001797.4 (MANE Select); coding-DNA position 1838, C replaced by T.
Protein change: p.Ala613Val; replaces alanine 613 with valine.
Molecular consequence: missense variant.
Genome position (GRCh38, 1-based): chr16:64,950,823, G>A on the plus strand (C>T on the coding strand, the complement: CDH11 is on the minus strand). VCF-style: chr16-64950823-G-A. GRCh37 (hg19) VCF-style: chr16-64984726-G-A.
Other names: c.1838C>T, p.Ala613Val (NM_001308392.2); c.1460C>T, p.Ala487Val (NM_001330576.2); short protein forms A487V, A613V.
Identifiers: ClinVar variation 5000211 (VCV005000211.1).

ClinVar aggregate classification (germline): Uncertain significance (1 of 4 stars; one submission).

Conditions:
CDH11-related disorder. Also called: CDH11-related condition.

Submission:

PreventionGenetics, part of Exact Sciences
Classification: Uncertain significance for CDH11-related condition. Last evaluated: 2024-11-20. Review status: criteria provided, single submitter. Criteria: ACMG Guidelines, 2015. Collection method: clinical testing. Allele origin: germline.
Comment: The CDH11 c.1838C>T variant is predicted to result in the amino acid substitution p.Ala613Val. To our knowledge, this variant has not been reported in the literature or in a large population database (gnomAD), indicating this variant is rare. At this time, the clinical significance of this variant is uncertain due to the absence of conclusive functional and genetic evidence.